The following is an entry in ClinVar:

ClinVar aggregate classification (germline): Uncertain significance (1 of 4 stars; one submission).

Conditions:
Hereditary cancer-predisposing syndrome. Also called: Neoplastic Syndromes, Hereditary; Tumor predisposition; Hereditary neoplastic syndrome; Hereditary Cancer Syndrome. Identifiers: Orphanet 140162, MedGen C0027672, MeSH D009386, MONDO:0015356.

Allele frequency attached by ClinVar (database versions not stated): TOPMed below 0.00001.

Submission:

Ambry Genetics
Classification: Uncertain significance for Hereditary cancer-predisposing syndrome. Last evaluated: 2024-03-03. Review status: criteria provided, single submitter. Criteria: Ambry Variant Classification Scheme 2023. Collection method: clinical testing. Allele origin: germline.
Comment: The p.G69E variant (also known as c.206G>A), located in coding exon 2 of the DICER1 gene, results from a G to A substitution at nucleotide position 206. The glycine at codon 69 is replaced by glutamic acid, an amino acid with similar properties. This amino acid position is conserved. In addition, this alteration is predicted to be deleterious by in silico analysis. Based on the available evidence, the clinical significance of this alteration remains unclear.

NM_177438.3(DICER1):c.206G>A (p.Gly69Glu)

Gene: DICER1 (dicer 1, ribonuclease III; minus strand). Cytogenetic location: 14q32.13.
Variant type: single nucleotide variant.
Coding change: c.206G>A on transcript NM_177438.3 (MANE Select); coding-DNA position 206, G replaced by A.
Protein change: p.Gly69Glu; replaces glycine 69 with glutamic acid.
Molecular consequence: missense variant. On other transcripts: 5 prime UTR variant (9), non-coding transcript variant (6).
Genome position (GRCh38, 1-based): chr14:95,132,616, C>T on the plus strand (G>A on the coding strand, the complement: DICER1 is on the minus strand). VCF-style: chr14-95132616-C-T. GRCh37 (hg19) VCF-style: chr14-95598953-C-T.
Other names: c.206G>A, p.Gly69Glu (NM_001195573.1, NM_001271282.3, NM_001291628.2 and 15 more transcripts); c.-69G>A (NM_001395686.1, NM_001395687.1, NM_001395688.1 and 4 more transcripts); c.-253G>A (NM_001395691.1); c.-1363G>A (NM_001395697.1); short protein forms G69E.
Identifiers: ClinVar variation 3229326 (VCV003229326.1), dbSNP rs1894048765, ClinGen allele CA390889981.